The following is an entry in ClinVar:

NM_022100.3(MRPS14):c.324dup (p.Ile109fs)

Gene: MRPS14 (mitochondrial ribosomal protein S14; minus strand). Cytogenetic location: 1q25.1.
Variant type: Duplication.
Coding change: c.324dup on transcript NM_022100.3 (MANE Select); coding-DNA position 324, one base duplicated (T; older notation c.324dupT).
Protein change: p.Ile109fs; shifts the reading frame from isoleucine 109.
Molecular consequence: frameshift variant. On other transcripts: non-coding transcript variant (1).
Genome position (GRCh38, 1-based): chr1:175,014,732, A duplicated on the plus strand (T on the coding strand, the reverse complement: MRPS14 is on the minus strand). VCF-style (leftmost placement, unchanged base first): chr1-175014731-T-TA. GRCh37 (hg19) VCF-style: chr1-174983867-T-TA.
Other names: short protein forms I109fs.
Identifiers: ClinVar variation 4691069 (VCV004691069.1).

ClinVar aggregate classification (germline): Uncertain significance (1 of 4 stars; one submission).

Submission:

Labcorp Genetics (formerly Invitae), Labcorp
Classification: Uncertain significance. Last evaluated: 2025-09-07. Review status: criteria provided, single submitter. Criteria: Invitae Variant Classification Sherloc (09022015). Collection method: clinical testing. Allele origin: germline.
Comment: This sequence change creates a premature translational stop signal (p.Ile109Tyrfs*8) in the MRPS14 gene. While this is not anticipated to result in nonsense mediated decay, it is expected to disrupt the last 20 amino acid(s) of the MRPS14 protein. This variant is not present in population databases (gnomAD no frequency). This variant has not been reported in the literature in individuals affected with MRPS14-related conditions. Experimental studies and prediction algorithms are not available or were not evaluated, and the functional significance of this variant is currently unknown. In summary, the available evidence is currently insufficient to determine the role of this variant in disease. Therefore, it has been classified as a Variant of Uncertain Significance.